The following is an entry in ClinVar:

NM_006343.3(MERTK):c.2173G>C (p.Ala725Pro)

Gene: MERTK (MER proto-oncogene, tyrosine kinase; plus strand). Cytogenetic location: 2q13.
Variant type: single nucleotide variant.
Coding change: c.2173G>C on transcript NM_006343.3 (MANE Select); coding-DNA position 2173, G replaced by C.
Protein change: p.Ala725Pro; replaces alanine 725 with proline.
Molecular consequence: missense variant.
Genome position (GRCh38, 1-based): chr2:112,019,506, G>C. VCF-style: chr2-112019506-G-C. GRCh37 (hg19) VCF-style: chr2-112777083-G-C.
Other names: short protein forms A725P.
Identifiers: ClinVar variation 2583166 (VCV002583166.1), dbSNP rs2466909559, ClinGen allele CA348236930.

ClinVar aggregate classification (germline): Uncertain significance (1 of 4 stars; one submission).

Conditions:
Retinitis pigmentosa 38 (RP38). Also called: ROD-CONE DYSTROPHY, CHILDHOOD-ONSET. Identifiers: Orphanet 791, MedGen C3151228, MONDO:0013469, OMIM 613862.

Submission:

Diagnostics Services (NGS), CSIR - Centre For Cellular And Molecular Biology
Classification: Uncertain significance for Retinitis pigmentosa 38. Last evaluated: 2023-09-06. Review status: criteria provided, single submitter. Criteria: ACMG Guidelines, 2015. Collection method: clinical testing. Allele origin: germline. Affected: yes. Observed: 1 variant allele, 1 homozygote.
Comment: The c.2173G>C variant is not present in publicly available population databases like 1000 Genomes, EVS, ExAC, gnomAD, Indian Exome Database or our in-house exome database. This variant has not been reported in the literature in individuals affected with MERTK-related conditions nor reported to clinical databases like ClinVar, Human Genome Mutation Database (HGMD) or OMIM, in any affected individuals. In-silico pathogenicity programs like SIFT, PolyPhen-2, MutationTaster2, CADD etc predicted this variant to be likely deleterious, however these predictions were not confirmed by published functional studies.